The following is an entry in ClinVar:

ClinVar aggregate classification (germline): Uncertain significance. Review status: criteria provided, multiple submitters, no conflicts (2 of 4 stars). 2 submissions from 2 submitters: Uncertain significance (2). Last evaluated 2025-03-20.

Conditions:
Inborn genetic diseases. Identifiers: MedGen C0950123, MeSH D030342.

Allele frequency attached by ClinVar (database versions not stated): ESP Exome Variant Server 0.00008.

Submissions (2):

Ambry Genetics
Classification: Uncertain significance for Inborn genetic diseases. Last evaluated: 2025-03-20. Review status: criteria provided, single submitter. Criteria: Ambry Variant Classification Scheme 2023. Collection method: clinical testing. Allele origin: germline.

Labcorp Genetics (formerly Invitae), Labcorp
Classification: Uncertain significance. Last evaluated: 2023-01-17. Review status: criteria provided, single submitter. Criteria: Invitae Variant Classification Sherloc (09022015). Collection method: clinical testing. Allele origin: germline.
Comment: This variant has not been reported in the literature in individuals affected with INPPL1-related conditions. This sequence change replaces arginine, which is basic and polar, with tryptophan, which is neutral and slightly polar, at codon 1164 of the INPPL1 protein (p.Arg1164Trp). The frequency data for this variant in the population databases is considered unreliable, as metrics indicate poor data quality at this position in the gnomAD database. Algorithms developed to predict the effect of missense changes on protein structure and function are either unavailable or do not agree on the potential impact of this missense change (SIFT: "Deleterious"; PolyPhen-2: "Possibly Damaging"; Align-GVGD: "Class C0"). In summary, the available evidence is currently insufficient to determine the role of this variant in disease. Therefore, it has been classified as a Variant of Uncertain Significance.

NM_001567.4(INPPL1):c.3490C>T (p.Arg1164Trp)

Gene: INPPL1 (inositol polyphosphate phosphatase like 1; plus strand). Cytogenetic location: 11q13.4.
Variant type: single nucleotide variant.
Coding change: c.3490C>T on transcript NM_001567.4 (MANE Select); coding-DNA position 3490, C replaced by T.
Protein change: p.Arg1164Trp; replaces arginine 1164 with tryptophan.
Molecular consequence: missense variant.
Genome position (GRCh38, 1-based): chr11:72,237,734, C>T. VCF-style: chr11-72237734-C-T. GRCh37 (hg19) VCF-style: chr11-71948778-C-T.
Other names: c.3490C>T (NM_001567.3); short protein forms R1164W.
Identifiers: ClinVar variation 2916210 (VCV002916210.3), dbSNP rs377556632, ClinGen allele CA6170654.